The following is an entry in ClinVar:

ClinVar aggregate classification (germline): Uncertain significance. Review status: criteria provided, multiple submitters, no conflicts (2 of 4 stars). 2 submissions from 2 submitters: Uncertain significance (2). Last evaluated 2021-10-27.

Allele frequency attached by ClinVar (database versions not stated): gnomAD exomes below 0.00001; TOPMed below 0.00001.
gnomAD v4.1: 1 of 1,602,260 alleles (0.000062%); highest among the groups gnomAD compares: Admixed American, 0.0017%; no homozygotes.

Submissions (2):

Revvity Omics, Revvity
Classification: Uncertain significance. Last evaluated: 2021-10-27. Review status: criteria provided, single submitter. Criteria: ACMG Guidelines, 2015. Collection method: clinical testing. Allele origin: germline.

GeneDx
Classification: Uncertain significance. Last evaluated: 2017-05-08. Review status: criteria provided, single submitter. Criteria: GeneDx Variant Classification (06012015). Collection method: clinical testing. Allele origin: germline. Affected: yes.
Comment: The V972A variant in the COL6A1 gene has not been reported previously as a pathogenic variant, nor as a benign variant, to our knowledge. The V972A variant is not observed in large population cohorts (Lek et al., 2016; 1000 Genomes Consortium et al., 2015; Exome Variant Server). The V972A variant is a conservative amino acid substitution, which is not likely to impact secondary protein structure as these residues share similar properties. This substitution occurs at a position where amino acids with similar properties to Valine are tolerated across species. In silico analysis is inconsistent in its predictions as to whether or not the variant is damaging to the protein structure/function. Therefore, we interpret V972A as a variant of uncertain significance.

NM_001848.3(COL6A1):c.2915T>C (p.Val972Ala)

Gene: COL6A1 (collagen type VI alpha 1 chain; plus strand). Cytogenetic location: 21q22.3.
Variant type: single nucleotide variant.
Coding change: c.2915T>C on transcript NM_001848.3 (MANE Select); coding-DNA position 2915, T replaced by C.
Protein change: p.Val972Ala; replaces valine 972 with alanine.
Molecular consequence: missense variant.
Genome position (GRCh38, 1-based): chr21:46,003,841, T>C. VCF-style: chr21-46003841-T-C. GRCh37 (hg19) VCF-style: chr21-47423755-T-C.
Other names: short protein forms V972A.
Identifiers: ClinVar variation 429502 (VCV000429502.5), dbSNP rs1131691418, ClinGen allele CA410541442.